The following is an entry in ClinVar:

NM_004444.5(EPHB4):c.1882G>C (p.Glu628Gln)

Gene: EPHB4 (EPH receptor B4; minus strand). Cytogenetic location: 7q22.1.
Variant type: single nucleotide variant.
Coding change: c.1882G>C on transcript NM_004444.5 (MANE Select); coding-DNA position 1882, G replaced by C.
Protein change: p.Glu628Gln; replaces glutamic acid 628 with glutamine.
Molecular consequence: missense variant.
Genome position (GRCh38, 1-based): chr7:100,812,983, C>G on the plus strand (G>C on the coding strand, the complement: EPHB4 is on the minus strand). VCF-style: chr7-100812983-C-G. GRCh37 (hg19) VCF-style: chr7-100410605-C-G.
Other names: short protein forms E628Q.
Identifiers: ClinVar variation 1305422 (VCV001305422.2), dbSNP rs1233930784, ClinGen allele CA368570463.

ClinVar aggregate classification (germline): Uncertain significance (1 of 4 stars; one submission).

Submission:

GeneDx
Classification: Uncertain significance. Last evaluated: 2019-05-07. Review status: criteria provided, single submitter. Criteria: GeneDx Variant Classification Process June 2021. Collection method: clinical testing. Allele origin: germline. Affected: yes.
Comment: Has not been previously published as pathogenic or benign to our knowledge; Not observed in large population cohorts (Lek et al., 2016); In silico analysis, which includes protein predictors and evolutionary conservation, supports a deleterious effect